The following is an entry in ClinVar:

ClinVar aggregate classification (germline): Pathogenic (1 of 4 stars; one submission).

Submission:

Labcorp Genetics (formerly Invitae), Labcorp
Classification: Pathogenic. Last evaluated: 2023-09-27. Review status: criteria provided, single submitter. Criteria: Invitae Variant Classification Sherloc (09022015). Collection method: clinical testing. Allele origin: germline.
Comment: For these reasons, this variant has been classified as Pathogenic. This variant has not been reported in the literature in individuals affected with SYNE4-related conditions. This variant is not present in population databases (gnomAD no frequency). This sequence change creates a premature translational stop signal (p.Trp226*) in the SYNE4 gene. It is expected to result in an absent or disrupted protein product. Loss-of-function variants in SYNE4 are known to be pathogenic (PMID: 23348741, 28958982).

Literature cited by the submitters: PubMed 23348741; PubMed 28958982.

NM_001039876.3(SYNE4):c.678G>A (p.Trp226Ter)

Gene: SYNE4 (spectrin repeat containing nuclear envelope family member 4; minus strand). Cytogenetic location: 19q13.12.
Variant type: single nucleotide variant.
Coding change: c.678G>A on transcript NM_001039876.3 (MANE Select); coding-DNA position 678, G replaced by A.
Protein change: p.Trp226Ter; replaces tryptophan 226 with a stop codon.
Molecular consequence: nonsense.
Genome position (GRCh38, 1-based): chr19:36,006,612, C>T on the plus strand (G>A on the coding strand, the complement: SYNE4 is on the minus strand). VCF-style: chr19-36006612-C-T. GRCh37 (hg19) VCF-style: chr19-36497514-C-T.
Other names: c.339G>A, p.Trp113Ter (NM_001297735.3); short protein forms W113*, W226*.
Identifiers: ClinVar variation 3012557 (VCV003012557.3), dbSNP rs2514037904, ClinGen allele CA405432693.